The following is an entry in ClinVar:

ClinVar aggregate classification (germline): Conflicting classifications of pathogenicity. Review status: criteria provided, conflicting classifications (1 of 4 stars). 4 submissions from 4 submitters: Uncertain significance (3); Benign (1). Last evaluated 2025-09-09.

Conditions:
Hereditary cancer-predisposing syndrome. Also called: Tumor predisposition; Hereditary Cancer Syndrome; Hereditary neoplastic syndrome; Neoplastic Syndromes, Hereditary. Identifiers: Orphanet 140162, MedGen C0027672, MeSH D009386, MONDO:0015356.
Familial adenomatous polyposis 2. Also called: FAP type 2; MUTYH Polyposis; COLORECTAL ADENOMATOUS POLYPOSIS, AUTOSOMAL RECESSIVE; ADENOMAS, MULTIPLE COLORECTAL, AUTOSOMAL RECESSIVE; MUTYH-associated polyposis; MUTYH-related attenuated familial adenomatous polyposis. Identifiers: Orphanet 220460, Orphanet 247798, MedGen C3272841, MONDO:0012041, OMIM 608456.

Allele frequency attached by ClinVar (database versions not stated): gnomAD exomes below 0.00001; TOPMed 0.00001.
gnomAD v4.1: 1 of 1,614,198 alleles (0.000062%); highest among the groups gnomAD compares: African/African-American, 0.0013%; no homozygotes.

Submissions (4):

Ambry Genetics
Classification: Benign for Hereditary cancer-predisposing syndrome. Last evaluated: 2025-09-09. Review status: criteria provided, single submitter. Criteria: Ambry Variant Classification Scheme 2023. Collection method: clinical testing. Allele origin: germline.

Labcorp Genetics (formerly Invitae), Labcorp
Classification: Uncertain significance for Familial adenomatous polyposis 2. Last evaluated: 2024-09-11. Review status: criteria provided, single submitter. Criteria: Invitae Variant Classification Sherloc (09022015). Collection method: clinical testing. Allele origin: germline.
Comment: This sequence change replaces arginine, which is basic and polar, with lysine, which is basic and polar, at codon 36 of the MUTYH protein (p.Arg36Lys). This variant is not present in population databases (gnomAD no frequency). This variant has not been reported in the literature in individuals affected with MUTYH-related conditions. ClinVar contains an entry for this variant (Variation ID: 818332). An algorithm developed to predict the effect of missense changes on protein structure and function outputs the following: PolyPhen-2: "Benign". The lysine amino acid residue is found in multiple mammalian species, which suggests that this missense change does not adversely affect protein function. In summary, the available evidence is currently insufficient to determine the role of this variant in disease. Therefore, it has been classified as a Variant of Uncertain Significance.

Women's Health and Genetics/Laboratory Corporation of America, LabCorp
Classification: Uncertain significance. Last evaluated: 2023-06-03. Review status: criteria provided, single submitter. Criteria: LabCorp Variant Classification Summary - May 2015. Collection method: clinical testing. Allele origin: germline.

Color Diagnostics, LLC DBA Color Health
Classification: Uncertain significance for Hereditary cancer-predisposing syndrome. Last evaluated: 2019-05-08. Review status: criteria provided, single submitter. Criteria: ACMG Guidelines, 2015. Collection method: clinical testing. Allele origin: germline.

Literature cited by the submitters: PubMed 40738107 (cited by Ambry Genetics).

NM_001048174.2(MUTYH):c.65G>A (p.Arg22Lys)

Gene: MUTYH (mutY DNA glycosylase; minus strand). Cytogenetic location: 1p34.1.
Variant type: single nucleotide variant.
Coding change: c.65G>A on transcript NM_001048174.2 (MANE Select); coding-DNA position 65, G replaced by A.
Protein change: p.Arg22Lys; replaces arginine 22 with lysine.
Molecular consequence: missense variant. On other transcripts: 5 prime UTR variant (4), non-coding transcript variant (2).
Genome position (GRCh38, 1-based): chr1:45,334,441, C>T on the plus strand (G>A on the coding strand, the complement: MUTYH is on the minus strand). VCF-style: chr1-45334441-C-T. GRCh37 (hg19) VCF-style: chr1-45800113-C-T.
Other names: c.65G>A, p.Arg22Lys (NM_001048171.2, NM_001048172.2, NM_001048173.2 and 2 more transcripts); c.107G>A, p.Arg36Lys (NM_001128425.2, NM_001293190.2, NM_012222.3); c.-148G>A (NM_001293192.2, NM_001293196.2); c.-207G>A (NM_001350650.2); c.-143G>A (NM_001350651.2); short protein forms R22K, R36K.
Identifiers: ClinVar variation 818332 (VCV000818332.16), dbSNP rs1376695165, ClinGen allele CA340137112.